The following is an entry in ClinVar:

ClinVar aggregate classification (germline): Uncertain significance (1 of 4 stars; one submission).

Conditions:
Muscular dystrophy-dystroglycanopathy (congenital with brain and eye anomalies), type a, 8 (MDDGA8). Also called: WALKER-WARBURG SYNDROME OR MUSCLE-EYE-BRAIN DISEASE, GTDC2-RELATED. Identifiers: Orphanet 899, MedGen C3553813, MONDO:0013904, OMIM 614830.

Submission:

Labcorp Genetics (formerly Invitae), Labcorp
Classification: Uncertain significance for Muscular dystrophy-dystroglycanopathy (congenital with brain and eye anomalies), type a, 8. Last evaluated: 2021-08-16. Review status: criteria provided, single submitter. Criteria: Invitae Variant Classification Sherloc (09022015). Collection method: clinical testing. Allele origin: germline.
Comment: This variant has not been reported in the literature in individuals affected with POMGNT2-related conditions. In summary, the available evidence is currently insufficient to determine the role of this variant in disease. Therefore, it has been classified as a Variant of Uncertain Significance. Algorithms developed to predict the effect of sequence changes on RNA splicing suggest that this variant may create or strengthen a splice site. Algorithms developed to predict the effect of missense changes on protein structure and function (SIFT, PolyPhen-2, Align-GVGD) all suggest that this variant is likely to be tolerated. This variant is not present in population databases (ExAC no frequency). This sequence change replaces threonine with serine at codon 127 of the POMGNT2 protein (p.Thr127Ser). The threonine residue is moderately conserved and there is a small physicochemical difference between threonine and serine.

NM_032806.6(POMGNT2):c.380C>G (p.Thr127Ser)

Gene: POMGNT2 (protein O-linked mannose N-acetylglucosaminyltransferase 2 (beta 1,4-); minus strand). Cytogenetic location: 3p22.1.
Variant type: single nucleotide variant.
Coding change: c.380C>G on transcript NM_032806.6 (MANE Select); coding-DNA position 380, C replaced by G.
Protein change: p.Thr127Ser; replaces threonine 127 with serine.
Molecular consequence: missense variant.
Genome position (GRCh38, 1-based): chr3:43,081,052, G>C on the plus strand (C>G on the coding strand, the complement: POMGNT2 is on the minus strand). VCF-style: chr3-43081052-G-C. GRCh37 (hg19) VCF-style: chr3-43122544-G-C.
Other names: short protein forms T127S.
Identifiers: ClinVar variation 1513214 (VCV001513214.6), dbSNP rs2125700845, ClinGen allele CA352303354.